The following is an entry in ClinVar:

ClinVar aggregate classification (germline): Uncertain significance (1 of 4 stars; one submission).

Conditions:
Hereditary cancer-predisposing syndrome. Also called: Hereditary Cancer Syndrome; Neoplastic Syndromes, Hereditary; Tumor predisposition; Hereditary neoplastic syndrome. Identifiers: Orphanet 140162, MedGen C0027672, MeSH D009386, MONDO:0015356.

Submission:

Ambry Genetics
Classification: Uncertain significance for Hereditary cancer-predisposing syndrome. Last evaluated: 2016-06-01. Review status: criteria provided, single submitter. Criteria: Ambry Variant Classification Scheme 2023. Collection method: clinical testing. Allele origin: germline.
Comment: The p.A3246T variant (also known as c.9736G>A), located in coding exon 26 of the BRCA2 gene, results from a G to A substitution at nucleotide position 9736. The alanine at codon 3246 is replaced by threonine, an amino acid with similar properties. This variant was not reported in population based cohorts in the following databases: Database of Single Nucleotide Polymorphisms (dbSNP), NHLBI Exome Sequencing Project (ESP), and 1000 Genomes Project. In the ESP, this variant was not observed in 6503 samples (13006 alleles) with coverage at this position. To date, this alteration has been detected with an allele frequency of approximately 0.0003% (greater than 300000 alleles tested) in our clinical cohort. This amino acid position is not well conserved in available vertebrate species. In addition, this alteration is predicted to be tolerated by in silico analysis. Since supporting evidence is limited at this time, the clinical significance of this alteration remains unclear.

NM_000059.4(BRCA2):c.9736G>A (p.Ala3246Thr)

Gene: BRCA2 (BRCA2 DNA repair associated; plus strand). Cytogenetic location: 13q13.1.
Variant type: single nucleotide variant.
Coding change: c.9736G>A on transcript NM_000059.4 (MANE Select); coding-DNA position 9736, G replaced by A.
Protein change: p.Ala3246Thr; replaces alanine 3246 with threonine.
Molecular consequence: missense variant.
Genome position (GRCh38, 1-based): chr13:32,398,249, G>A. VCF-style: chr13-32398249-G-A. GRCh37 (hg19) VCF-style: chr13-32972386-G-A.
Other names: short protein forms A3246T.
Identifiers: ClinVar variation 481498 (VCV000481498.5), dbSNP rs1555289936, ClinGen allele CA387765543.
Genomic context (GRCh38, chr13:32,398,249, plus strand): 5'-TATCAAAGTCCTTTATCACTTTGTATGGCCAAAAGGAAGTCTGTTTCCACACCTGTCTCA[G>A]CCCAGATGACTTCAAAGTCTTGTAAAGGGGAGAAAGAGATTGATGACCAAAAGAACTGCA-3'
Protein context (NP_000050.3, residues 3236-3256): KRKSVSTPVS[Ala3246Thr]QMTSKSCKGE